The following is an entry in ClinVar:

ClinVar aggregate classification (germline): Uncertain significance. Review status: criteria provided, multiple submitters, no conflicts (2 of 4 stars). 2 submissions from 2 submitters: Uncertain significance (2). Last evaluated 2024-09-27.

Conditions:
Inborn genetic diseases. Identifiers: MedGen C0950123, MeSH D030342.
Autosomal recessive mendelian susceptibility to mycobacterial diseases due to complete RORgamma receptor deficiency. Also called: Immunodeficiency 42. Identifiers: Orphanet 477857, MedGen C5567647, MONDO:0014710, OMIM 616622.

Allele frequency attached by ClinVar (database versions not stated): gnomAD exomes below 0.00001; ExAC 0.00001; gnomAD 0.00001; TOPMed 0.00002; ESP Exome Variant Server 0.00008.
gnomAD v4.1: 1 of 1,614,090 alleles (0.000062%); highest among the groups gnomAD compares: African/African-American, 0.0013%; no homozygotes.

Submissions (2):

Ambry Genetics
Classification: Uncertain significance for Inborn genetic diseases. Last evaluated: 2024-09-27. Review status: criteria provided, single submitter. Criteria: Ambry Variant Classification Scheme 2023. Collection method: clinical testing. Allele origin: germline.

Labcorp Genetics (formerly Invitae), Labcorp
Classification: Uncertain significance for Autosomal recessive mendelian susceptibility to mycobacterial diseases due to complete RORgamma receptor deficiency. Last evaluated: 2022-07-19. Review status: criteria provided, single submitter. Criteria: Invitae Variant Classification Sherloc (09022015). Collection method: clinical testing. Allele origin: germline.
Comment: This sequence change replaces cysteine, which is neutral and slightly polar, with serine, which is neutral and polar, at codon 476 of the RORC protein (p.Cys476Ser). This variant is present in population databases (rs369382764, gnomAD 0.008%). This variant has not been reported in the literature in individuals affected with RORC-related conditions. ClinVar contains an entry for this variant (Variation ID: 1009678). Algorithms developed to predict the effect of missense changes on protein structure and function are either unavailable or do not agree on the potential impact of this missense change (SIFT: "Tolerated"; PolyPhen-2: "Possibly Damaging"; Align-GVGD: "Class C0"). In summary, the available evidence is currently insufficient to determine the role of this variant in disease. Therefore, it has been classified as a Variant of Uncertain Significance.

NM_005060.4(RORC):c.1427G>C (p.Cys476Ser)

Gene: RORC (RAR related orphan receptor C; minus strand). Cytogenetic location: 1q21.3.
Variant type: single nucleotide variant.
Coding change: c.1427G>C on transcript NM_005060.4 (MANE Select); coding-DNA position 1427, G replaced by C.
Protein change: p.Cys476Ser; replaces cysteine 476 with serine.
Molecular consequence: missense variant.
Genome position (GRCh38, 1-based): chr1:151,807,602, C>G on the plus strand (G>C on the coding strand, the complement: RORC is on the minus strand). VCF-style: chr1-151807602-C-G. GRCh37 (hg19) VCF-style: chr1-151780078-C-G.
Other names: c.1364G>C, p.Cys455Ser (NM_001001523.2); c.1427G>C (NM_005060.3); short protein forms C455S, C476S.
Identifiers: ClinVar variation 1009678 (VCV001009678.7), dbSNP rs369382764, ClinGen allele CA1095653.
Genomic context (GRCh38, chr1:151,807,602, plus strand): 5'-GCTTGGACCACGATGGGGTGGAGGTGCTGGAAGATCTGCAGCCTTTCCACATGCTGGCTA[C>G]ACAGGCTCCGAAGCTTCCCCTTGGGTGGCAGCTGGATATGGGTTAATGGGGAAGGGAGGG-3'
Protein context (NP_005051.2, residues 466-486): LPPKGKLRSL[Cys476Ser]SQHVERLQIF